The following is an entry in ClinVar:

ClinVar aggregate classification (germline): Likely benign (1 of 4 stars; one submission).

Conditions:
Familial adenomatous polyposis 1 (FAP1). Also called: POLYPOSIS, ADENOMATOUS INTESTINAL; FAMILIAL ADENOMATOUS POLYPOSIS 1, ATTENUATED. Identifiers: MedGen C2713442, MONDO:0021056, OMIM 175100. Disease mechanism: loss of function.

Submission:

Myriad Genetics, Inc.
Classification: Likely benign for Familial adenomatous polyposis 1. Last evaluated: 2024-02-27. Review status: criteria provided, single submitter. Criteria: Myriad Autosomal Dominant, Autosomal Recessive and X-Linked Classification Criteria (2023). Collection method: clinical testing. Allele origin: unknown.
Comment: This variant is considered likely benign. This variant is intronic and is not expected to impact mRNA splicing.

NM_000038.6(APC):c.834+8A>G

Gene: APC (APC regulator of Wnt signaling pathway; plus strand). Cytogenetic location: 5q22.2.
Variant type: single nucleotide variant.
Coding change: c.834+8A>G on transcript NM_000038.6 (MANE Select); 8 bases into the intron after coding-DNA position 834, A replaced by G.
Molecular consequence: intron variant.
Genome position (GRCh38, 1-based): chr5:112,801,391, A>G. VCF-style: chr5-112801391-A-G. GRCh37 (hg19) VCF-style: chr5-112137088-A-G.
Other names: c.-202+8A>G (NM_001407470.1, NM_001407472.1, NM_001354906.2 and 1 more transcripts); c.834+8A>G (NM_001407447.1, NM_001354895.2, NM_001407456.1 and 12 more transcripts); c.750+8A>G (NM_001407452.1, NM_001407469.1, NM_001354899.2 and 1 more transcripts); c.864+8A>G (NM_001407446.1, NM_001354897.2, NM_001354902.2); c.780+8A>G (NM_001127511.3); c.657+8A>G (NM_001407453.1, NM_001354900.2, NM_001354901.2 and 1 more transcripts); c.759+8A>G (NM_001407451.1, NM_001354898.2, NM_001354904.2).
Identifiers: ClinVar variation 3148805 (VCV003148805.1), dbSNP rs2149712692, ClinGen allele CA2825001343.
Genomic context (GRCh38, chr5:112,801,391, plus strand): 5'-ATGAAGGTCAAGGAGTGGGAGAAATCAACATGGCAACTTCTGGTAATGGTCAGGTAAATA[A>G]ATTATTTTATCATATTTTTTAAAATTATTTAAATATCAGAAAAGTATGAAGCAAGATGGT-3'